The following is an entry in ClinVar:

NM_017780.4(CHD7):c.7610A>G (p.Glu2537Gly)

Gene: CHD7 (chromodomain helicase DNA binding protein 7; plus strand). Cytogenetic location: 8q12.2.
Variant type: single nucleotide variant.
Coding change: c.7610A>G on transcript NM_017780.4 (MANE Select); coding-DNA position 7610, A replaced by G.
Protein change: p.Glu2537Gly; replaces glutamic acid 2537 with glycine.
Molecular consequence: missense variant. On other transcripts: intron variant (1).
Genome position (GRCh38, 1-based): chr8:60,860,905, A>G. VCF-style: chr8-60860905-A-G. GRCh37 (hg19) VCF-style: chr8-61773464-A-G.
Other names: c.1717-1324A>G (NM_001316690.1); short protein forms E2537G.
Identifiers: ClinVar variation 3252610 (VCV003252610.1), dbSNP rs2488105998.
Genomic context (GRCh38, chr8:60,860,905, plus strand): 5'-GACATTGTCAGAGGCTCTCTCTTCGTGTGAGAATTCATACCATTGTGAACTTTCTGCAGG[A>G]GGATGCTGAGGTGACCAAAGCTTTTGAAGAAGATATAGAGACCCCACCAACAAGAAACAT-3'
Protein context (NP_060250.2, residues 2527-2547): MSHKRTSLSA[Glu2537Gly]DAEVTKAFEE

ClinVar aggregate classification (germline): Uncertain significance (1 of 4 stars; one submission).

Submission:

GeneDx
Classification: Uncertain significance. Last evaluated: 2023-10-03. Review status: criteria provided, single submitter. Criteria: GeneDx Variant Classification Process June 2021. Collection method: clinical testing. Allele origin: germline. Affected: yes.
Comment: Has not been previously published as pathogenic or benign to our knowledge; Not observed at significant frequency in large population cohorts (gnomAD); In silico analysis supports that this missense variant does not alter protein structure/function